The following is an entry in ClinVar:

ClinVar aggregate classification (germline): Pathogenic (1 of 4 stars; one submission).

Conditions:
Mucopolysaccharidosis type 1. Also called: Mucopolysaccharidosis Type I; IDUA deficiency; MPS I. Identifiers: Orphanet 579, MedGen C0023786, MONDO:0001586.

Submission:

Labcorp Genetics (formerly Invitae), Labcorp
Classification: Pathogenic for Mucopolysaccharidosis type 1. Last evaluated: 2023-12-04. Review status: criteria provided, single submitter. Criteria: Invitae Variant Classification Sherloc (09022015). Collection method: clinical testing. Allele origin: germline.
Comment: This sequence change creates a premature translational stop signal (p.Asp444Glyfs*15) in the IDUA gene. It is expected to result in an absent or disrupted protein product. Loss-of-function variants in IDUA are known to be pathogenic (PMID: 11735025, 21480867). This variant is not present in population databases (gnomAD no frequency). This variant has not been reported in the literature in individuals affected with IDUA-related conditions. For these reasons, this variant has been classified as Pathogenic.

Literature cited by the submitters: PubMed 11735025; PubMed 21480867.

NM_000203.5(IDUA):c.1326_1330dup (p.Asp444fs)

Gene: IDUA (alpha-L-iduronidase; plus strand). Cytogenetic location: 4p16.3.
Variant type: Duplication.
Coding change: c.1326_1330dup on transcript NM_000203.5 (MANE Select); coding-DNA positions 1326 to 1330, 5 bases duplicated (GAGCG; older notation c.1326_1330dupGAGCG).
Protein change: p.Asp444fs; shifts the reading frame from aspartic acid 444.
Molecular consequence: frameshift variant. On other transcripts: non-coding transcript variant (1).
Genome position (GRCh38, 1-based): chr4:1,002,868-1,002,872, GAGCG duplicated. VCF-style (leftmost placement, unchanged base first): chr4-1002867-C-CGAGCG. GRCh37 (hg19) VCF-style: chr4-996655-C-CGAGCG.
Other names: c.930_934dup, p.Asp312fs (NM_001363576.1); short protein forms D312fs, D444fs.
Identifiers: ClinVar variation 2700836 (VCV002700836.3), dbSNP rs2534093263, ClinGen allele CA2697557041.